The following is an entry in ClinVar:

NM_004370.6(COL12A1):c.7676C>T (p.Ala2559Val)

Gene: COL12A1 (collagen type XII alpha 1 chain; minus strand). Cytogenetic location: 6q13.
Variant type: single nucleotide variant.
Coding change: c.7676C>T on transcript NM_004370.6 (MANE Select); coding-DNA position 7676, C replaced by T.
Protein change: p.Ala2559Val; replaces alanine 2559 with valine.
Molecular consequence: missense variant.
Genome position (GRCh38, 1-based): chr6:75,115,805, G>A on the plus strand (C>T on the coding strand, the complement: COL12A1 is on the minus strand). VCF-style: chr6-75115805-G-A. GRCh37 (hg19) VCF-style: chr6-75825521-G-A.
Other names: c.4184C>T, p.Ala1395Val (NM_080645.3); short protein forms A2559V, A1395V.
Identifiers: ClinVar variation 450505 (VCV000450505.9), dbSNP rs761234963, ClinGen allele CA3892501.

ClinVar aggregate classification (germline): Uncertain significance. Review status: criteria provided, multiple submitters, no conflicts (2 of 4 stars). 2 submissions from 2 submitters: Uncertain significance (2). Last evaluated 2024-11-19.

Conditions:
Bethlem myopathy 2 (BTHLM2). Identifiers: Orphanet 536516, Orphanet 610, MedGen C4225313, MONDO:0034022, OMIM 616471.
Ullrich congenital muscular dystrophy 2 (UCMD2). Identifiers: Orphanet 75840, MedGen C4225314, MONDO:0014654, OMIM 616470.

Allele frequency attached by ClinVar (database versions not stated): TOPMed below 0.00001; gnomAD 0.00001.
gnomAD v4.1: 14 of 1,611,916 alleles (0.00087%); highest among the groups gnomAD compares: Non-Finnish European, 0.0011%; no homozygotes.

Submissions (2):

Labcorp Genetics (formerly Invitae), Labcorp
Classification: Uncertain significance for Bethlem myopathy 2; Ullrich congenital muscular dystrophy 2. Last evaluated: 2024-11-19. Review status: criteria provided, single submitter. Criteria: Invitae Variant Classification Sherloc (09022015). Collection method: clinical testing. Allele origin: germline.
Comment: This sequence change replaces alanine, which is neutral and non-polar, with valine, which is neutral and non-polar, at codon 2559 of the COL12A1 protein (p.Ala2559Val). The frequency data for this variant in the population databases is considered unreliable, as metrics indicate poor data quality at this position in the gnomAD database. This variant has not been reported in the literature in individuals affected with COL12A1-related conditions. ClinVar contains an entry for this variant (Variation ID: 450505). Invitae Evidence Modeling of protein sequence and biophysical properties (such as structural, functional, and spatial information, amino acid conservation, physicochemical variation, residue mobility, and thermodynamic stability) indicates that this missense variant is not expected to disrupt COL12A1 protein function with a negative predictive value of 80%. In summary, the available evidence is currently insufficient to determine the role of this variant in disease. Therefore, it has been classified as a Variant of Uncertain Significance.

GeneDx
Classification: Uncertain significance. Last evaluated: 2023-01-18. Review status: criteria provided, single submitter. Criteria: GeneDx Variant Classification Process June 2021. Collection method: clinical testing. Allele origin: germline. Affected: yes.
Comment: Has not been previously published as pathogenic or benign to our knowledge; Not observed at significant frequency in large population cohorts (gnomAD); In silico analysis supports that this missense variant has a deleterious effect on protein structure/function